The following is an entry in ClinVar:

ClinVar aggregate classification (germline): Conflicting classifications of pathogenicity. Review status: criteria provided, conflicting classifications (1 of 4 stars). 3 submissions from 3 submitters: Uncertain significance (2); Likely benign (1). Last evaluated 2026-05-01.

Submissions (3):

CeGaT Center for Human Genetics Tuebingen
Classification: Likely benign. Last evaluated: 2026-05-01. Review status: criteria provided, single submitter. Criteria: CeGaT Center For Human Genetics Tuebingen Variant Classification Criteria Version 2. Collection method: clinical testing. Allele origin: germline. Affected: yes. Observed: 3 variant alleles.
Comment: SMARCA2: BS1

Revvity Omics, Revvity
Classification: Uncertain significance. Last evaluated: 2023-10-03. Review status: criteria provided, single submitter. Criteria: ACMG Guidelines, 2015. Collection method: clinical testing. Allele origin: germline.

Labcorp Genetics (formerly Invitae), Labcorp
Classification: Uncertain significance. Last evaluated: 2023-08-17. Review status: criteria provided, single submitter. Criteria: Invitae Variant Classification Sherloc (09022015). Collection method: clinical testing. Allele origin: germline.
Comment: In summary, the available evidence is currently insufficient to determine the role of this variant in disease. Therefore, it has been classified as a Variant of Uncertain Significance. Experimental studies and prediction algorithms are not available or were not evaluated, and the functional significance of this variant is currently unknown. This variant has not been reported in the literature in individuals affected with SMARCA2-related conditions. This variant is not present in population databases (gnomAD no frequency). This variant, c.690_707del, results in the deletion of 6 amino acid(s) of the SMARCA2 protein (p.Gln233_Gln238del), but otherwise preserves the integrity of the reading frame.

NM_003070.5(SMARCA2):c.669GCA[7] (p.Gln233_Gln238del)

Gene: SMARCA2 (SWI/SNF related BAF chromatin remodeling complex subunit ATPase 2; plus strand). Cytogenetic location: 9p24.3.
Variant type: Microsatellite.
Coding change: c.669GCA[7] on transcript NM_003070.5 (MANE Select); seven copies in a row of the 3-base unit GCA starting at c.669; the reference has 13 copies in a row; six copies, 18 bases deleted; also written c.690_707del.
Protein change: p.Gln233_Gln238del.
Molecular consequence: inframe deletion. On other transcripts: inframe indel (1).
Genome position (GRCh38, 1-based): chr9:2,039,800-2,039,817, GCAGCAGCAGCAGCAGCA deleted; deleting any 18 consecutive bases within chr9:2,039,777-2,039,817 gives the same sequence; the position shown is the placement nearest the transcript's 3' end. VCF-style (leftmost placement, unchanged base first): chr9-2039776-ACAGCAGCAGCAGCAGCAG-A. GRCh37 (hg19) VCF-style: chr9-2039776-ACAGCAGCAGCAGCAGCAG-A.
Other names: c.669GCA[7], p.Gln233_Gln238del (NM_001289397.2, NM_139045.4); c.669_671GCA[7], p.Gln233_Gln238del (NM_001289396.2); c.690_707del (NM_003070.5).
Identifiers: ClinVar variation 1366910 (VCV001366910.33), dbSNP rs113070757, ClinGen allele CA862005510.